The following is an entry in ClinVar:

ClinVar aggregate classification (germline): Uncertain significance (1 of 4 stars; one submission).

Conditions:
Hereditary pancreatitis (PCTT). Also called: Hereditary chronic pancreatitis; PRSS1-Related Hereditary Pancreatitis. Identifiers: Orphanet 676, MedGen C0238339, MONDO:0008185, OMIM 167800.

Allele frequency attached by ClinVar (database versions not stated): gnomAD exomes below 0.00001.
gnomAD v4.1: 1 of 1,612,270 alleles (0.000062%); highest among the groups gnomAD compares: Non-Finnish European, 0.000085%; no homozygotes.

Submission:

Ambry Genetics
Classification: Uncertain significance for Hereditary pancreatitis. Last evaluated: 2022-12-29. Review status: criteria provided, single submitter. Criteria: Ambry Variant Classification Scheme 2023. Collection method: clinical testing. Allele origin: germline.
Comment: The p.L48R variant (also known as c.143T>G), located in coding exon 2 of the CPA1 gene, results from a T to G substitution at nucleotide position 143. The leucine at codon 48 is replaced by arginine, an amino acid with dissimilar properties. This amino acid position is conserved. In addition, the in silico prediction for this alteration is inconclusive. Since supporting evidence is limited at this time, the clinical significance of this alteration remains unclear.

NM_001868.4(CPA1):c.143T>G (p.Leu48Arg)

Gene: CPA1 (carboxypeptidase A1; plus strand). Cytogenetic location: 7q32.2.
Variant type: single nucleotide variant.
Coding change: c.143T>G on transcript NM_001868.4 (MANE Select); coding-DNA position 143, T replaced by G.
Protein change: p.Leu48Arg; replaces leucine 48 with arginine.
Molecular consequence: missense variant.
Genome position (GRCh38, 1-based): chr7:130,381,175, T>G. VCF-style: chr7-130381175-T-G. GRCh37 (hg19) VCF-style: chr7-130021016-T-G.
Other names: short protein forms L48R.
Identifiers: ClinVar variation 2496920 (VCV002496920.2), dbSNP rs2536003851, ClinGen allele CA369279403.